The following is an entry in ClinVar:

ClinVar aggregate classification (germline): Uncertain significance. Review status: criteria provided, multiple submitters, no conflicts (2 of 4 stars). 2 submissions from 2 submitters: Uncertain significance (2). Last evaluated 2025-06-09.

Conditions:
Hereditary cancer-predisposing syndrome. Also called: Hereditary neoplastic syndrome; Neoplastic Syndromes, Hereditary; Hereditary Cancer Syndrome; Tumor predisposition. Identifiers: Orphanet 140162, MedGen C0027672, MeSH D009386, MONDO:0015356.
Neuroblastoma, susceptibility to, 3. Also called: ALK-Related Neuroblastic Tumor Susceptibility. Identifiers: Orphanet 635, MedGen C2751681, MONDO:0013083, OMIM 613014.

Allele frequency attached by ClinVar (database versions not stated): gnomAD exomes below 0.00001.

Submissions (2):

Ambry Genetics
Classification: Uncertain significance for Hereditary cancer-predisposing syndrome. Last evaluated: 2025-06-09. Review status: criteria provided, single submitter. Criteria: Ambry Variant Classification Scheme 2023. Collection method: clinical testing. Allele origin: germline.
Comment: The p.M1? variant (also known as c.1A>T) is located in coding exon 1 of the ALK gene and results from a A to T substitution at nucleotide position 1. This alters the methionine residue at the initiation codon (ATG). Variations that modify the initiation codon (ATG) are expected to result in either loss of translation initiation, N-terminal truncation, or cause a shift in the mRNA reading frame; however, there is an in-frame methionine 23 amino acids from the initiation site, which may result in N-terminal truncation of unknown functional significance. Based on the available evidence, the clinical significance of this variant remains unclear.

Labcorp Genetics (formerly Invitae), Labcorp
Classification: Uncertain significance for Neuroblastoma, susceptibility to, 3. Last evaluated: 2023-10-14. Review status: criteria provided, single submitter. Criteria: Invitae Variant Classification Sherloc (09022015). Collection method: clinical testing. Allele origin: germline.
Comment: This sequence change affects the initiator methionine of the ALK mRNA. The next in-frame methionine is located at codon 23. This variant is not present in population databases (gnomAD no frequency). This variant has not been reported in the literature in individuals affected with ALK-related conditions. ClinVar contains an entry for this variant (Variation ID: 1389098). In summary, the available evidence is currently insufficient to determine the role of this variant in disease. Therefore, it has been classified as a Variant of Uncertain Significance.

NM_004304.5(ALK):c.1A>T (p.Met1Leu)

Gene: ALK (ALK receptor tyrosine kinase; minus strand). Cytogenetic location: 2p23.1.
Variant type: single nucleotide variant.
Coding change: c.1A>T on transcript NM_004304.5 (MANE Select); coding-DNA position 1, A replaced by T.
Protein change: p.Met1Leu; changes the start codon (methionine 1).
Molecular consequence: missense variant, initiator codon variant.
Genome position (GRCh38, 1-based): chr2:29,920,659, T>A on the plus strand (A>T on the coding strand, the complement: ALK is on the minus strand). VCF-style: chr2-29920659-T-A. GRCh37 (hg19) VCF-style: chr2-30143525-T-A.
Other names: c.1A>T (NM_004304.4); short protein forms M1L.
Identifiers: ClinVar variation 1389098 (VCV001389098.9), dbSNP rs1202047396, ClinGen allele CA346590878.